The following is an entry in ClinVar:

ClinVar aggregate classification (germline): Uncertain significance (1 of 4 stars; one submission).

Conditions:
Gorlin syndrome. Also called: Basal cell nevus syndrome; Nevoid Basal Cell Carcinoma Syndrome. Identifiers: Orphanet 377, MedGen C0004779, MONDO:0007187.

Submission:

Labcorp Genetics (formerly Invitae), Labcorp
Classification: Uncertain significance for Gorlin syndrome. Last evaluated: 2021-08-02. Review status: criteria provided, single submitter. Criteria: Invitae Variant Classification Sherloc (09022015). Collection method: clinical testing. Allele origin: germline.
Comment: This variant is a gross deletion of the genomic region encompassing exon(s) 13-14 of the PTCH1 gene. This variant would be expected to be in-frame, preserving the integrity of the reading frame. This variant has not been reported in the literature in individuals affected with PTCH1-related conditions. This variant disrupts a region of the PTCH1 protein in which other variant(s) (p.Ser647Cys) have been observed in individuals with PTCH1-related conditions (PMID: 18302678). This suggests that this is a clinically significant region of the protein, and that variants that disrupt it are likely to be disease-causing. In summary, the available evidence is currently insufficient to determine the role of this variant in disease. Therefore, it has been classified as a Variant of Uncertain Significance.

Literature cited by the submitters: PubMed 18302678.

NC_000009.11:g.(?_98231023)_(98232223_?)del

Gene: PTCH1 (patched 1; minus strand). Cytogenetic location: 9q22.32.
Variant type: Deletion.
Identifiers: ClinVar variation 1372558 (VCV001372558.7).